The following is an entry in ClinVar:

ClinVar aggregate classification (germline): Conflicting classifications of pathogenicity. Review status: criteria provided, conflicting classifications (1 of 4 stars). 3 submissions from 3 submitters: Uncertain significance (2); Likely benign (1). Last evaluated 2025-11-01.

Allele frequency attached by ClinVar (database versions not stated): gnomAD 0.00003; TOPMed 0.00003; ExAC 0.00004; gnomAD exomes 0.00006; ESP Exome Variant Server 0.00008.
gnomAD v4.1: 93 of 1,612,656 alleles (0.0058%); highest among the groups gnomAD compares: Non-Finnish European, 0.0072%; no homozygotes.

Submissions (3):

CeGaT Center for Human Genetics Tuebingen
Classification: Likely benign. Last evaluated: 2025-11-01. Review status: criteria provided, single submitter. Criteria: CeGaT Center For Human Genetics Tuebingen Variant Classification Criteria Version 2. Collection method: clinical testing. Allele origin: germline. Affected: yes. Observed: 1 variant allele.
Comment: KLB: BP4

Labcorp Genetics (formerly Invitae), Labcorp
Classification: Uncertain significance. Last evaluated: 2025-04-17. Review status: criteria provided, single submitter. Criteria: Invitae Variant Classification Sherloc (09022015). Collection method: clinical testing. Allele origin: germline.
Comment: This sequence change replaces histidine, which is basic and polar, with asparagine, which is neutral and polar, at codon 1033 of the KLB protein (p.His1033Asn). This variant is present in population databases (rs373228895, gnomAD 0.01%). This variant has not been reported in the literature in individuals affected with KLB-related conditions. ClinVar contains an entry for this variant (Variation ID: 2199900). An algorithm developed to predict the effect of missense changes on protein structure and function outputs the following: PolyPhen-2: "Benign". The asparagine amino acid residue is found in multiple mammalian species, which suggests that this missense change does not adversely affect protein function. In summary, the available evidence is currently insufficient to determine the role of this variant in disease. Therefore, it has been classified as a Variant of Uncertain Significance.

Ambry Genetics
Classification: Uncertain significance. Last evaluated: 2022-09-06. Review status: criteria provided, single submitter. Criteria: Ambry Variant Classification Scheme 2023. Collection method: clinical testing. Allele origin: germline.

NM_175737.4(KLB):c.3097C>A (p.His1033Asn)

Gene: KLB (klotho beta; plus strand). Cytogenetic location: 4p14.
Variant type: single nucleotide variant.
Coding change: c.3097C>A on transcript NM_175737.4 (MANE Select); coding-DNA position 3097, C replaced by A.
Protein change: p.His1033Asn; replaces histidine 1033 with asparagine.
Molecular consequence: missense variant.
Genome position (GRCh38, 1-based): chr4:39,448,648, C>A. VCF-style: chr4-39448648-C-A. GRCh37 (hg19) VCF-style: chr4-39450268-C-A.
Other names: c.3097C>A (NM_175737.3); short protein forms H1033N.
Identifiers: ClinVar variation 2199900 (VCV002199900.11), dbSNP rs373228895, ClinGen allele CA2894169.
Genomic context (GRCh38, chr4:39,448,648, plus strand): 5'-TCAATTGCCATTTTTCAAAGGCAGAAGAGAAGAAAGTTTTGGAAAGCAAAAAACTTACAA[C>A]ACATACCATTAAAGAAAGGCAAGAGAGTTGTTAGCTAAACTGATCTGTCTGCATGATAGA-3'
Protein context (NP_783864.1, residues 1023-1043): RKFWKAKNLQ[His1033Asn]IPLKKGKRVV